The following is an entry in ClinVar:

NM_004958.4(MTOR):c.7374G>T (p.Leu2458Phe)

Gene: MTOR (mechanistic target of rapamycin kinase; minus strand). Cytogenetic location: 1p36.22.
Variant type: single nucleotide variant.
Coding change: c.7374G>T on transcript NM_004958.4 (MANE Select); coding-DNA position 7374, G replaced by T.
Protein change: p.Leu2458Phe; replaces leucine 2458 with phenylalanine.
Molecular consequence: missense variant.
Genome position (GRCh38, 1-based): chr1:11,109,722, C>A on the plus strand (G>T on the coding strand, the complement: MTOR is on the minus strand). VCF-style: chr1-11109722-C-A. GRCh37 (hg19) VCF-style: chr1-11169779-C-A.
Other names: short protein forms L2458F.
Identifiers: ClinVar variation 840452 (VCV000840452.12), dbSNP rs1641759287, ClinGen allele CA338379158.

ClinVar aggregate classification (germline): Uncertain significance. Review status: criteria provided, multiple submitters, no conflicts (2 of 4 stars). 2 submissions from 2 submitters: Uncertain significance (2). Last evaluated 2021-05-20.

Allele frequency attached by ClinVar (database versions not stated): gnomAD exomes below 0.00001.
gnomAD v4.1: 4 of 1,613,942 alleles (0.00025%); highest among the groups gnomAD compares: Non-Finnish European, 0.00034%; no homozygotes.

Submissions (2):

Blueprint Genetics
Classification: Uncertain significance. Last evaluated: 2021-05-20. Review status: criteria provided, single submitter. Criteria: ACMG Guidelines, 2015. Collection method: clinical testing. Allele origin: germline.

Labcorp Genetics (formerly Invitae), Labcorp
Classification: Uncertain significance. Last evaluated: 2019-12-11. Review status: criteria provided, single submitter. Criteria: Invitae Variant Classification Sherloc (09022015). Collection method: clinical testing. Allele origin: germline.
Comment: This variant has not been reported in the literature in individuals with MTOR-related conditions. In summary, the available evidence is currently insufficient to determine the role of this variant in disease. Therefore, it has been classified as a Variant of Uncertain Significance. Algorithms developed to predict the effect of missense changes on protein structure and function (SIFT, PolyPhen-2, Align-GVGD) all suggest that this variant is likely to be tolerated, but these predictions have not been confirmed by published functional studies and their clinical significance is uncertain. This variant is not present in population databases (ExAC no frequency). This sequence change replaces leucine with phenylalanine at codon 2458 of the MTOR protein (p.Leu2458Phe). The leucine residue is moderately conserved and there is a small physicochemical difference between leucine and phenylalanine.